The following is an entry in ClinVar:

NM_031844.3(HNRNPU):c.622C>T (p.Gln208Ter)

Gene: HNRNPU (heterogeneous nuclear ribonucleoprotein U; minus strand). Cytogenetic location: 1q44.
Variant type: single nucleotide variant.
Coding change: c.622C>T on transcript NM_031844.3 (MANE Select); coding-DNA position 622, C replaced by T.
Protein change: p.Gln208Ter; replaces glutamine 208 with a stop codon.
Molecular consequence: nonsense.
Genome position (GRCh38, 1-based): chr1:244,863,686, G>A on the plus strand (C>T on the coding strand, the complement: HNRNPU is on the minus strand). VCF-style: chr1-244863686-G-A. GRCh37 (hg19) VCF-style: chr1-245026988-G-A.
Other names: c.622C>T, p.Gln208Ter (NM_004501.3); short protein forms Q208*.
Identifiers: ClinVar variation 946361 (VCV000946361.11), dbSNP rs1573337552, ClinGen allele CA345496285.

ClinVar aggregate classification (germline): Conflicting classifications of pathogenicity. Review status: criteria provided, conflicting classifications (1 of 4 stars). 2 submissions from 2 submitters: Pathogenic (1); Uncertain significance (1). Last evaluated 2019-06-16.

Conditions:
Developmental and epileptic encephalopathy, 54. Also called: Epileptic encephalopathy, early infantile, 54; HNRNPU-Related Neurodevelopmental Disorder. Identifiers: MedGen C4479319, MONDO:0033363, OMIM 617391.

Submissions (2):

Labcorp Genetics (formerly Invitae), Labcorp
Classification: Pathogenic for Developmental and epileptic encephalopathy, 54. Last evaluated: 2019-06-16. Review status: criteria provided, single submitter. Criteria: Invitae Variant Classification Sherloc (09022015). Collection method: clinical testing. Allele origin: germline.
Comment: This sequence change creates a premature translational stop signal (p.Gln208*) in the HNRNPU gene. It is expected to result in an absent or disrupted protein product. For these reasons, this variant has been classified as Pathogenic. Loss-of-function variants in HNRNPU are known to be pathogenic (PMID: 22678713, 28283832). This variant has not been reported in the literature in individuals with HNRNPU-related conditions. This variant is not present in population databases (ExAC no frequency).

Consultorio y Laboratorio de Neurogenética, Hospital JM Ramos Mejia
Classification: Uncertain significance for Developmental and epileptic encephalopathy, 54. Review status: criteria provided, single submitter. Criteria: Perez et al. (J Hum Genet. 2020). Collection method: clinical testing. Allele origin: unknown. Inheritance: Autosomal dominant inheritance. Affected: yes. Observed: 1 heterozygote.

Literature cited by the submitters: PubMed 22678713 (cited by Labcorp Genetics (formerly Invitae), Labcorp); PubMed 28283832 (cited by Labcorp Genetics (formerly Invitae), Labcorp).